The following is an entry in ClinVar:

NM_000094.4(COL7A1):c.8109+1G>A

Gene: COL7A1 (collagen type VII alpha 1 chain; minus strand). Cytogenetic location: 3p21.31.
Variant type: single nucleotide variant.
Coding change: c.8109+1G>A on transcript NM_000094.4 (MANE Select); the canonical splice donor site of the intron after coding-DNA position 8109, G replaced by A.
Molecular consequence: splice donor variant.
Genome position (GRCh38, 1-based): chr3:48,567,127, C>T on the plus strand (G>A on the coding strand, the complement: COL7A1 is on the minus strand). VCF-style: chr3-48567127-C-T. GRCh37 (hg19) VCF-style: chr3-48604560-C-T.
Identifiers: ClinVar variation 998086 (VCV000998086.8), dbSNP rs1050797523, ClinGen allele CA73972921.

ClinVar aggregate classification (germline): Pathogenic. Review status: criteria provided, multiple submitters, no conflicts (2 of 4 stars). 2 submissions from 2 submitters: Pathogenic (2). Last evaluated 2024-09-29.

Conditions:
Recessive dystrophic epidermolysis bullosa (RDEB). Also called: severe generalized recessive dystrophic epidermolysis bullosa; EPIDERMOLYSIS BULLOSA DYSTROPHICA, GENERALIZED SEVERE, AUTOSOMAL RECESSIVE; DYSTROPHIC EPIDERMOLYSIS BULLOSA, AUTOSOMAL RECESSIVE; EPIDERMOLYSIS BULLOSA DYSTROPHICA, HALLOPEAU-SIEMENS TYPE; Epidermolysis Bullosa Distrophica Autosomal Recessive (RDEB); epidermolysis bullosa dystrophica, autosomal recessive. Identifiers: Orphanet 79408, Orphanet 79409, MedGen C0079474, MONDO:0009179, OMIM 226600.

Allele frequency attached by ClinVar (database versions not stated): gnomAD exomes below 0.00001; gnomAD 0.00001; TOPMed 0.00001.
gnomAD v4.1: 2 of 1,613,950 alleles (0.00012%); highest among the groups gnomAD compares: African/African-American, 0.0013%; no homozygotes.

Submissions (2):

Labcorp Genetics (formerly Invitae), Labcorp
Classification: Pathogenic. Last evaluated: 2024-09-29. Review status: criteria provided, single submitter. Criteria: Invitae Variant Classification Sherloc (09022015). Collection method: clinical testing. Allele origin: germline.
Comment: This sequence change affects a donor splice site in intron 109 of the COL7A1 gene. It is expected to disrupt RNA splicing. Variants that disrupt the donor or acceptor splice site typically lead to a loss of protein function (PMID: 16199547), and loss-of-function variants in COL7A1 are known to be pathogenic (PMID: 16971478). This variant is not present in population databases (gnomAD no frequency). Disruption of this splice site has been observed in individual(s) with autosomal recessive epidermolysis bullosa (PMID: 31001817, 34597860). ClinVar contains an entry for this variant (Variation ID: 998086). Algorithms developed to predict the effect of sequence changes on RNA splicing suggest that this variant may disrupt the consensus splice site. For these reasons, this variant has been classified as Pathogenic.

Department of Medical Genetics, Sanjay Gandhi Post Graduate Institute of Medical Sciences
Classification: Pathogenic for Recessive dystrophic epidermolysis bullosa. Review status: criteria provided, single submitter. Criteria: ACMG Guidelines, 2015. Collection method: clinical testing. Allele origin: germline. Inheritance: Autosomal recessive inheritance. Affected: yes. Observed: 1 variant allele, 1 homozygote.

Literature cited by the submitters: PubMed 16199547 (cited by Labcorp Genetics (formerly Invitae), Labcorp); PubMed 16971478 (cited by Labcorp Genetics (formerly Invitae), Labcorp); PubMed 31001817 (cited by Labcorp Genetics (formerly Invitae), Labcorp); PubMed 34597860 (cited by Labcorp Genetics (formerly Invitae), Labcorp).